The following is an entry in ClinVar:

NM_004568.6(SERPINB6):c.460T>G (p.Ser154Ala)

Gene: SERPINB6 (serpin family B member 6; minus strand). Cytogenetic location: 6p25.2.
Variant type: single nucleotide variant.
Coding change: c.460T>G on transcript NM_004568.6 (MANE Select); coding-DNA position 460, T replaced by G.
Protein change: p.Ser154Ala; replaces serine 154 with alanine.
Molecular consequence: missense variant. On other transcripts: non-coding transcript variant (1).
Genome position (GRCh38, 1-based): chr6:2,953,157, A>C on the plus strand (T>G on the coding strand, the complement: SERPINB6 is on the minus strand). VCF-style: chr6-2953157-A-C. GRCh37 (hg19) VCF-style: chr6-2953391-A-C.
Other names: c.472T>G, p.Ser158Ala (NM_001195291.3, NM_001374515.1); c.502T>G, p.Ser168Ala (NM_001271822.2); c.517T>G, p.Ser173Ala (NM_001271823.2); c.460T>G, p.Ser154Ala (NM_001271824.2, NM_001271825.2, NM_001297699.2 and 2 more transcripts); c.328T>G, p.Ser110Ala (NM_001374517.1); short protein forms S158A, S173A, S168A, S154A, S110A.
Identifiers: ClinVar variation 165189 (VCV000165189.8), dbSNP rs727503416, ClinGen allele CA177909.

ClinVar aggregate classification (germline): Conflicting classifications of pathogenicity. Review status: criteria provided, conflicting classifications (1 of 4 stars). 2 submissions from 2 submitters: Uncertain significance (1); Likely benign (1). Last evaluated 2024-10-24.

Allele frequency attached by ClinVar (database versions not stated): gnomAD exomes 0.00001 and 0.00003; gnomAD 0.00003 and 0.00004; TOPMed 0.00003.
gnomAD v4.1: 46 of 1,614,110 alleles (0.0028%); highest among the groups gnomAD compares: East Asian, 0.0045%; no homozygotes.

Submissions (2):

Labcorp Genetics (formerly Invitae), Labcorp
Classification: Uncertain significance. Last evaluated: 2024-10-24. Review status: criteria provided, single submitter. Criteria: Invitae Variant Classification Sherloc (09022015). Collection method: clinical testing. Allele origin: germline.
Comment: This sequence change replaces serine, which is neutral and polar, with alanine, which is neutral and non-polar, at codon 154 of the SERPINB6 protein (p.Ser154Ala). This variant is present in population databases (rs727503416, gnomAD 0.003%). This missense change has been observed in individual(s) with clinical features of SERPINB6-related conditions (PMID: 20451170). ClinVar contains an entry for this variant (Variation ID: 165189). Invitae Evidence Modeling of protein sequence and biophysical properties (such as structural, functional, and spatial information, amino acid conservation, physicochemical variation, residue mobility, and thermodynamic stability) indicates that this missense variant is not expected to disrupt SERPINB6 protein function with a negative predictive value of 80%. In summary, the available evidence is currently insufficient to determine the role of this variant in disease. Therefore, it has been classified as a Variant of Uncertain Significance.

Laboratory for Molecular Medicine, Mass General Brigham Personalized Medicine
Classification: Likely benign. Last evaluated: 2014-06-12. Review status: criteria provided, single submitter. Criteria: LMM Criteria. Collection method: clinical testing. Allele origin: germline. Observed: 1 variant allele.
Comment: Ser154Ala in exon 8 of SERPINB6: This variant is not expected to have clinical s ignificance due to a lack of conservation across species, including mammals. Of note, chinchilla, brush-tailed rat, and manatee have an alanine (Ala) at this p osition, despite high nearby amino acid conservation. In addition, computationa l prediction tools do not suggest a high likelihood of impact to the protein. Th is variant was previously identified in an individual with hearing loss; however , the variant was in the heterozygous state and a variant affecting the remainin g copy of SERPINB6 was not identified (Sirmaci 2010).

Literature cited by the submitters: PubMed 20451170 (cited by Labcorp Genetics (formerly Invitae), Labcorp and Laboratory for Molecular Medicine, Mass General Brigham Personalized Medicine).